The following is an entry in ClinVar:

NM_000018.4(ACADVL):c.1605+1G>C

Gene: ACADVL (acyl-CoA dehydrogenase very long chain; plus strand). Cytogenetic location: 17p13.1.
Variant type: single nucleotide variant.
Coding change: c.1605+1G>C on transcript NM_000018.4 (MANE Select); the canonical splice donor site of the intron after coding-DNA position 1605, G replaced by C.
Molecular consequence: splice donor variant.
Genome position (GRCh38, 1-based): chr17:7,224,394, G>C. VCF-style: chr17-7224394-G-C. GRCh37 (hg19) VCF-style: chr17-7127713-G-C.
Other names: c.1674+1G>C (NM_001270447.2); c.1377+1G>C (NM_001270448.2); c.1539+1G>C (NM_001033859.3).
Identifiers: ClinVar variation 1427626 (VCV001427626.6), dbSNP rs2142988018, ClinGen allele CA397725471.
Genomic context (GRCh38, chr17:7,224,394, plus strand): 5'-GGCAGCGGCCTGAGTCTCAGCGGACTTGTCCACCCGGAGTTGAGTCGGAGTGGCGAGCTG[G>C]TAAGTGGCCAGGGGTCCAGGAGAGCCTGCATCAGGGACTGCAGCCGATGGCCCCTCTGAG-3'

ClinVar aggregate classification (germline): Pathogenic (1 of 4 stars; one submission).

Conditions:
Very long chain acyl-CoA dehydrogenase deficiency (ACADVLD). Also called: VLCAD Deficiency; Very Long-Chain Acyl-Coenzyme A Dehydrogenase Deficiency. Identifiers: Orphanet 26793, MedGen C3887523, MONDO:0008723, OMIM 201475.

gnomAD v4.1: 2 of 1,613,796 alleles (0.00012%); highest among the groups gnomAD compares: Non-Finnish European, 0.00017%; no homozygotes.

Submission:

Labcorp Genetics (formerly Invitae), Labcorp
Classification: Pathogenic for Very long chain acyl-CoA dehydrogenase deficiency. Last evaluated: 2022-02-21. Review status: criteria provided, single submitter. Criteria: Invitae Variant Classification Sherloc (09022015). Collection method: clinical testing. Allele origin: germline.
Comment: For these reasons, this variant has been classified as Pathogenic. Algorithms developed to predict the effect of sequence changes on RNA splicing suggest that this variant may disrupt the consensus splice site. Disruption of this splice site has been observed in individual(s) with very long-chain acyl-CoA dehydrogenase deficiency (PMID: 24801231). This variant is not present in population databases (gnomAD no frequency). This sequence change affects a donor splice site in intron 16 of the ACADVL gene. It is expected to disrupt RNA splicing. Variants that disrupt the donor or acceptor splice site typically lead to a loss of protein function (PMID: 16199547), and loss-of-function variants in ACADVL are known to be pathogenic (PMID: 9973285, 11590124).

Literature cited by the submitters: PubMed 24801231; PubMed 16199547; PubMed 9973285; PubMed 11590124.